The following is an entry in ClinVar:

ClinVar aggregate classification (germline): Pathogenic (1 of 4 stars; one submission).

Conditions:
Trichorhinophalangeal dysplasia type I (TRPS1). Also called: TRICHORHINOPHALANGEAL SYNDROME, TYPE I; TRPS I. Identifiers: Orphanet 77258, MedGen C0432233, MONDO:0008596, OMIM 190350.
Trichorhinophalangeal syndrome, type III (TRPS3). Also called: SUGIO-KAJII SYNDROME. Identifiers: Orphanet 77258, MedGen C1860823, OMIM 190351, MONDO:0008597.

Submission:

Labcorp Genetics (formerly Invitae), Labcorp
Classification: Pathogenic for Trichorhinophalangeal syndrome, type III; Trichorhinophalangeal dysplasia type I. Last evaluated: 2025-12-10. Review status: criteria provided, single submitter. Criteria: Invitae Variant Classification Sherloc (09022015). Collection method: clinical testing. Allele origin: germline.
Comment: This sequence change creates a premature translational stop signal (p.Lys792Serfs*8) in the TRPS1 gene. It is expected to result in an absent or disrupted protein product. Loss-of-function variants in TRPS1 are known to be pathogenic (PMID: 11112658). This variant is not present in population databases (gnomAD no frequency). This variant has not been reported in the literature in individuals affected with TRPS1-related conditions. For these reasons, this variant has been classified as Pathogenic.

Literature cited by the submitters: PubMed 11112658.

NM_014112.5(TRPS1):c.2373_2374del (p.Lys792fs)

Gene: TRPS1 (transcriptional repressor GATA binding 1; minus strand). Cytogenetic location: 8q23.3.
Variant type: Microsatellite.
Coding change: c.2373_2374del on transcript NM_014112.5 (MANE Select); coding-DNA positions 2373 to 2374, 2 bases deleted (GA; older notation c.2373_2374delGA).
Protein change: p.Lys792fs; shifts the reading frame from lysine 792.
Molecular consequence: frameshift variant.
Genome position (GRCh38, 1-based): chr8:115,587,327-115,587,328, TC deleted on the plus strand (GA on the coding strand, the reverse complement: TRPS1 is on the minus strand); deleting any 2 consecutive bases within chr8:115,587,327-115,587,331 gives the same sequence; the c. name uses the placement nearest the transcript's 3' end. VCF-style (leftmost placement, unchanged base first): chr8-115587326-TTC-T. GRCh37 (hg19) VCF-style: chr8-116599553-TTC-T.
Other names: c.2346_2347del, p.Lys783fs (NM_001282902.3); c.2352_2353del, p.Lys785fs (NM_001282903.3); c.2334_2335del, p.Lys779fs (NM_001330599.2); short protein forms K785fs, K783fs, K792fs, K779fs.
Identifiers: ClinVar variation 4786961 (VCV004786961.1).